The following is an entry in ClinVar:

ClinVar aggregate classification (germline): Benign/Likely benign. Review status: criteria provided, multiple submitters, no conflicts (2 of 4 stars). 9 submissions from 8 submitters: Benign (6); Likely benign (3). Last evaluated 2026-09-01.

Conditions:
Lethal Kniest-like syndrome (DDSH). Also called: Dyssegmental Dysplasia. Identifiers: Orphanet 1865, MedGen C1857100, MONDO:0009140, OMIM 224410.
Schwartz-Jampel syndrome. Also called: Myotonic myopathy dwarfism chondrodystrophy and ocular and facial abnormalities. Identifiers: Orphanet 800, MedGen C0036391, MONDO:0009717.

Allele frequency attached by ClinVar (database versions not stated): gnomAD exomes 0.00113; ExAC 0.00162; gnomAD 0.00368 and 0.00397; 1000 Genomes Project 0.00379; 1000 Genomes Project 30x 0.00422; TOPMed 0.00425; ESP Exome Variant Server 0.00454.
gnomAD v4.1: 1,205 of 1,608,314 alleles (0.075%); highest among the groups gnomAD compares: African/African-American, 1.3%; 10 homozygotes.

Submissions (9):

CeGaT Center for Human Genetics Tuebingen
Classification: Likely benign. Last evaluated: 2026-09-01. Review status: criteria provided, single submitter. Criteria: CeGaT Center For Human Genetics Tuebingen Variant Classification Criteria Version 2. Collection method: clinical testing. Allele origin: germline. Affected: yes. Observed: 4 variant alleles.
Comment: HSPG2: BP4, BS1

Labcorp Genetics (formerly Invitae), Labcorp
Classification: Benign. Last evaluated: 2026-01-21. Review status: criteria provided, single submitter. Criteria: Invitae Variant Classification Sherloc (09022015). Collection method: clinical testing. Allele origin: germline.

Genomic Medicine Center of Excellence, King Faisal Specialist Hospital and Research Centre
Classification: Likely benign. Last evaluated: 2025-08-18. Review status: criteria provided, single submitter. Criteria: ACMG Guidelines, 2015. Collection method: clinical testing. Allele origin: germline.

Blueprint Genetics
Classification: Likely benign. Last evaluated: 2024-10-09. Review status: criteria provided, single submitter. Criteria: ACMG Guidelines, 2015. Collection method: clinical testing. Allele origin: germline.

ARUP Laboratories, Molecular Genetics and Genomics, ARUP Laboratories
Classification: Benign. Last evaluated: 2023-09-21. Review status: criteria provided, single submitter. Criteria: ARUP Molecular Germline Variant Investigation Process 2024. Collection method: clinical testing. Allele origin: germline.

GeneDx
Classification: Benign. Last evaluated: 2019-04-11. Review status: criteria provided, single submitter. Criteria: GeneDx Variant Classification Process June 2021. Collection method: clinical testing. Allele origin: germline. Affected: yes.

Illumina Laboratory Services, Illumina
Classification: Benign for Schwartz-Jampel syndrome type 1. Last evaluated: 2018-01-13. Review status: criteria provided, single submitter. Criteria: ICSL Variant Classification Criteria 13 December 2019. Collection method: clinical testing. Allele origin: germline.
Comment: This variant was observed in the ICSL laboratory as part of a predisposition screen in an ostensibly healthy population. It had not been previously curated by ICSL or reported in the Human Gene Mutation Database (HGMD: prior to June 1st, 2018), and was therefore a candidate for classification through an automated scoring system. Utilizing variant allele frequency, disease prevalence and penetrance estimates, and inheritance mode, an automated score was calculated to assess if this variant is too frequent to cause the disease. Based on the score and internal cut-off values, a variant classified as benign is not then subjected to further curation. The score for this variant resulted in a classification of benign for this disease.

Illumina Laboratory Services, Illumina
Classification: Benign for Lethal Kniest-like syndrome. Last evaluated: 2018-01-13. Review status: criteria provided, single submitter. Criteria: ICSL Variant Classification Criteria 13 December 2019. Collection method: clinical testing. Allele origin: germline.
Comment: the same text as in the submission from Illumina Laboratory Services, Illumina above.

Breakthrough Genomics
Classification: Benign. Review status: criteria provided, single submitter. Criteria: ACMG Guidelines, 2015. Collection method: not provided. Allele origin: germline. Inheritance: Autosomal recessive inheritance. Affected: yes.

NM_005529.7(HSPG2):c.2596G>A (p.Gly866Ser)

Gene: HSPG2 (heparan sulfate proteoglycan 2; minus strand). Cytogenetic location: 1p36.12.
Variant type: single nucleotide variant.
Coding change: c.2596G>A on transcript NM_005529.7 (MANE Select); coding-DNA position 2596, G replaced by A.
Protein change: p.Gly866Ser; replaces glycine 866 with serine.
Molecular consequence: missense variant.
Genome position (GRCh38, 1-based): chr1:21,878,454, C>T on the plus strand (G>A on the coding strand, the complement: HSPG2 is on the minus strand). VCF-style: chr1-21878454-C-T. GRCh37 (hg19) VCF-style: chr1-22204947-C-T.
Other names: c.2599G>A, p.Gly867Ser (NM_001291860.2); short protein forms G866S, G867S.
Identifiers: ClinVar variation 295877 (VCV000295877.50), dbSNP rs62642529, ClinGen allele CA672983.